The following is an entry in ClinVar:

ClinVar aggregate classification (germline): Uncertain significance (1 of 4 stars; one submission).

gnomAD v4.1: 2 of 1,525,730 alleles (0.00013%); highest among the groups gnomAD compares: African/African-American, 0.0014%; no homozygotes.

Submission:

Labcorp Genetics (formerly Invitae), Labcorp
Classification: Uncertain significance. Last evaluated: 2025-11-10. Review status: criteria provided, single submitter. Criteria: Invitae Variant Classification Sherloc (09022015). Collection method: clinical testing. Allele origin: germline.
Comment: This sequence change affects a donor splice site in intron 2 of the SLC10A2 gene. It is expected to disrupt RNA splicing. Variants that disrupt the donor or acceptor splice site typically lead to a loss of protein function (PMID: 16199547), however the current clinical and genetic evidence is not sufficient to establish whether loss-of-function variants in SLC10A2 cause disease. This variant is not present in population databases (gnomAD no frequency). This variant has not been reported in the literature in individuals affected with SLC10A2-related conditions. Algorithms developed to predict the effect of sequence changes on RNA splicing suggest that this variant may disrupt the consensus splice site. In summary, the available evidence is currently insufficient to determine the role of this variant in disease. Therefore, it has been classified as a Variant of Uncertain Significance.

Literature cited by the submitters: PubMed 16199547.

NM_000452.3(SLC10A2):c.496+1G>A

Gene: SLC10A2 (solute carrier family 10 member 2; minus strand). Cytogenetic location: 13q33.1.
Variant type: single nucleotide variant.
Coding change: c.496+1G>A on transcript NM_000452.3 (MANE Select); the canonical splice donor site of the intron after coding-DNA position 496, G replaced by A.
Molecular consequence: splice donor variant.
Genome position (GRCh38, 1-based): chr13:103,058,263, C>T on the plus strand (G>A on the coding strand, the complement: SLC10A2 is on the minus strand). VCF-style: chr13-103058263-C-T. GRCh37 (hg19) VCF-style: chr13-103710613-C-T.
Identifiers: ClinVar variation 4804700 (VCV004804700.1).